The following is an entry in ClinVar:

NM_005751.5(AKAP9):c.5468A>T (p.Gln1823Leu)

Gene: AKAP9 (A-kinase anchoring protein 9; plus strand). Cytogenetic location: 7q21.2.
Variant type: single nucleotide variant.
Coding change: c.5468A>T on transcript NM_005751.5 (MANE Select); coding-DNA position 5468, A replaced by T.
Protein change: p.Gln1823Leu; replaces glutamine 1823 with leucine.
Molecular consequence: missense variant.
Genome position (GRCh38, 1-based): chr7:92,052,825, A>T. VCF-style: chr7-92052825-A-T. GRCh37 (hg19) VCF-style: chr7-91682139-A-T.
Other names: c.5468A>T, p.Gln1823Leu (NM_147185.3); short protein forms Q1823L.
Identifiers: ClinVar variation 412018 (VCV000412018.14), dbSNP rs147772200, ClinGen allele CA4336793.

ClinVar aggregate classification (germline): Uncertain significance. Review status: criteria provided, multiple submitters, no conflicts (2 of 4 stars). 4 submissions from 4 submitters: Uncertain significance (4). Last evaluated 2025-04-24.

Conditions:
Cardiovascular phenotype. Identifiers: MedGen CN230736.
Long QT syndrome 11 (LQT11). Identifiers: Orphanet 101016, Orphanet 768, MedGen C2678483, MONDO:0012738, OMIM 611820.
Long QT syndrome (LQTS). Identifiers: MedGen C0023976, MeSH D008133, MONDO:0002442. Disease mechanism: loss of function. Inheritance: Various modes of inheritance.

Allele frequency attached by ClinVar (database versions not stated): ExAC 0.00003; gnomAD exomes 0.00003 and 0.00005; gnomAD 0.00006; TOPMed 0.00006; ESP Exome Variant Server 0.00008.
gnomAD v4.1: 82 of 1,613,792 alleles (0.0051%); highest among the groups gnomAD compares: Middle Eastern, 0.016%; no homozygotes.

Submissions (4):

Ambry Genetics
Classification: Uncertain significance for Cardiovascular phenotype. Last evaluated: 2025-04-24. Review status: criteria provided, single submitter. Criteria: Ambry Variant Classification Scheme 2023. Collection method: clinical testing. Allele origin: germline.
Comment: The p.Q1823L variant (also known as c.5468A>T), located in coding exon 22 of the AKAP9 gene, results from an A to T substitution at nucleotide position 5468. The glutamine at codon 1823 is replaced by leucine, an amino acid with dissimilar properties. This amino acid position is well conserved in available vertebrate species. In addition, this alteration is predicted to be tolerated by in silico analysis. The evidence for this gene-disease relationship is limited; therefore, the clinical significance of this alteration is unclear.

Labcorp Genetics (formerly Invitae), Labcorp
Classification: Uncertain significance for Long QT syndrome. Last evaluated: 2025-03-26. Review status: criteria provided, single submitter. Criteria: Invitae Variant Classification Sherloc (09022015). Collection method: clinical testing. Allele origin: germline.
Comment: This sequence change replaces glutamine, which is neutral and polar, with leucine, which is neutral and non-polar, at codon 1823 of the AKAP9 protein (p.Gln1823Leu). This variant is present in population databases (rs147772200, gnomAD 0.007%). This variant has not been reported in the literature in individuals affected with AKAP9-related conditions. ClinVar contains an entry for this variant (Variation ID: 412018). An algorithm developed to predict the effect of missense changes on protein structure and function (PolyPhen-2) suggests that this variant is likely to be tolerated. In summary, the available evidence is currently insufficient to determine the role of this variant in disease. Therefore, it has been classified as a Variant of Uncertain Significance.

Dept of Medical Biology, Uskudar University
Classification: Uncertain significance for Long QT syndrome. Last evaluated: 2024-01-08. Review status: criteria provided, single submitter. Criteria: Dept of Medical Biology Variant Classification. Collection method: research. Allele origin: maternal. Affected: yes. Observed: 1 variant allele.
Comment: Criteria: PM2

Fulgent Genetics
Classification: Uncertain significance for Long QT syndrome 11. Last evaluated: 2021-08-20. Review status: criteria provided, single submitter. Criteria: ACMG Guidelines, 2015. Collection method: clinical testing. Allele origin: unknown.